The following is an entry in ClinVar:

NM_001277115.2(DNAH11):c.9553C>A (p.Pro3185Thr)

Gene: DNAH11 (dynein axonemal heavy chain 11; plus strand). Cytogenetic location: 7p15.3.
Variant type: single nucleotide variant.
Coding change: c.9553C>A on transcript NM_001277115.2 (MANE Select); coding-DNA position 9553, C replaced by A.
Protein change: p.Pro3185Thr; replaces proline 3185 with threonine.
Molecular consequence: missense variant.
Genome position (GRCh38, 1-based): chr7:21,784,496, C>A. VCF-style: chr7-21784496-C-A. GRCh37 (hg19) VCF-style: chr7-21824114-C-A.
Other names: short protein forms P3185T.
Identifiers: ClinVar variation 454722 (VCV000454722.1), dbSNP rs960341299, ClinGen allele CA366939311.

ClinVar aggregate classification (germline): Uncertain significance (1 of 4 stars; one submission).

Conditions:
Primary ciliary dyskinesia. Also called: Ciliary dyskinesia. Identifiers: Orphanet 244, MedGen C0008780, MONDO:0016575, HP:0012265.

Allele frequency attached by ClinVar (database versions not stated): gnomAD exomes below 0.00001; TOPMed 0.00001.
gnomAD v4.1: 7 of 1,613,328 alleles (0.00043%); highest among the groups gnomAD compares: East Asian, 0.0022%; no homozygotes.

Submission:

Labcorp Genetics (formerly Invitae), Labcorp
Classification: Uncertain significance for Primary ciliary dyskinesia. Last evaluated: 2017-06-27. Review status: criteria provided, single submitter. Criteria: Invitae Variant Classification Sherloc (09022015). Collection method: clinical testing. Allele origin: germline.
Comment: This sequence change replaces proline with threonine at codon 3185 of the DNAH11 protein (p.Pro3185Thr). The proline residue is highly conserved and there is a small physicochemical difference between proline and threonine. This variant is not present in population databases (ExAC no frequency). This variant has not been reported in the literature in individuals with DNAH11-related disease. Algorithms developed to predict the effect of missense changes on protein structure and function (SIFT, PolyPhen-2, Align-GVGD) all suggest that this variant is likely to be disruptive, but these predictions have not been confirmed by published functional studies and their clinical significance is uncertain. In summary, the available evidence is currently insufficient to determine the role of this variant in disease. Therefore, it has been classified as a Variant of Uncertain Significance.